The following is an entry in ClinVar:

ClinVar aggregate classification (germline): Uncertain significance. Review status: criteria provided, single submitter (1 of 4 stars). 2 submissions from 2 submitters: Uncertain significance (1). 1 of the submissions does not count toward it. Last evaluated 2021-08-20.

Conditions:
Neuromuscular disease caused by qualitative or quantitative defects of dysferlin. Also called: Qualitative or quantitative defects of dysferlin; Dysferlinopathy. Identifiers: Orphanet 207073, MedGen C2931687, MONDO:0016145.
Autosomal recessive limb-girdle muscular dystrophy type 2B (LGMDR2). Also called: Limb-girdle muscular dystrophy, type 2B; Limb-Girdle Muscular Dystrophy Type 2B (LGMD2B); MUSCULAR DYSTROPHY, LIMB-GIRDLE, TYPE 3; MUSCULAR DYSTROPHY, LIMB-GIRDLE, AUTOSOMAL RECESSIVE 2. Identifiers: Orphanet 268, MedGen C1850889, MONDO:0009676, OMIM 253601.

Allele frequency attached by ClinVar (database versions not stated): gnomAD exomes below 0.00001.
gnomAD v4.1: 7 of 1,614,208 alleles (0.00043%); highest among the groups gnomAD compares: Non-Finnish European, 0.00059%; no homozygotes.

Submissions (2):

Labcorp Genetics (formerly Invitae), Labcorp
Classification: Uncertain significance for Neuromuscular disease caused by qualitative or quantitative defects of dysferlin. Last evaluated: 2021-08-20. Review status: criteria provided, single submitter. Criteria: Invitae Variant Classification Sherloc (09022015). Collection method: clinical testing. Allele origin: germline.
Comment: This sequence change replaces histidine with tyrosine at codon 1568 of the DYSF protein (p.His1568Tyr). The histidine residue is moderately conserved and there is a moderate physicochemical difference between histidine and tyrosine. This variant is not present in population databases (ExAC no frequency). This variant has not been reported in the literature in individuals affected with DYSF-related conditions. ClinVar contains an entry for this variant (Variation ID: 574174). Algorithms developed to predict the effect of missense changes on protein structure and function (SIFT, PolyPhen-2, Align-GVGD) all suggest that this variant is likely to be tolerated. In summary, the available evidence is currently insufficient to determine the role of this variant in disease. Therefore, it has been classified as a Variant of Uncertain Significance.

Natera, Inc.
Classification: Uncertain significance for Limb-girdle muscular dystrophy type 2B. Last evaluated: 2020-03-10. Review status: no assertion criteria provided. Collection method: clinical testing. Allele origin: germline. Not counted in ClinVar's aggregate classification.

NM_001130987.2(DYSF):c.4819C>T (p.His1607Tyr)

Gene: DYSF (dysferlin; plus strand). Cytogenetic location: 2p13.2.
Variant type: single nucleotide variant.
Coding change: c.4819C>T on transcript NM_001130987.2 (MANE Select); coding-DNA position 4819, C replaced by T.
Protein change: p.His1607Tyr; replaces histidine 1607 with tyrosine.
Molecular consequence: missense variant.
Genome position (GRCh38, 1-based): chr2:71,658,941, C>T. VCF-style: chr2-71658941-C-T. GRCh37 (hg19) VCF-style: chr2-71886071-C-T.
Other names: c.4705C>T, p.His1569Tyr (NM_001130455.2); c.4816C>T, p.His1606Tyr (NM_001130981.2); c.4798C>T, p.His1600Tyr (NM_001130982.2); c.4768C>T, p.His1590Tyr (NM_001130983.2); c.4726C>T, p.His1576Tyr (NM_001130984.2); c.4756C>T, p.His1586Tyr (NM_001130985.2); c.4663C>T, p.His1555Tyr (NM_001130986.2); c.4660C>T, p.His1554Tyr (NM_001130976.2); and 5 more; short protein forms H1607Y, H1568Y, H1554Y, H1555Y, H1569Y, H1575Y, H1589Y, H1599Y.
Identifiers: ClinVar variation 574174 (VCV000574174.7), dbSNP rs1298041271, ClinGen allele CA347219729.